The following is an entry in ClinVar:

ClinVar aggregate classification (germline): Pathogenic (1 of 4 stars; one submission).

Conditions:
Familial melanoma. Also called: Hereditary melanoma; Hereditary cutaneous melanoma. Identifiers: Orphanet 618, MedGen C1512419, MONDO:0018961.

Submission:

Labcorp Genetics (formerly Invitae), Labcorp
Classification: Pathogenic for Familial melanoma. Last evaluated: 2020-01-17. Review status: criteria provided, single submitter. Criteria: Invitae Variant Classification Sherloc (09022015). Collection method: clinical testing. Allele origin: germline.
Comment: This variant is not present in population databases (ExAC no frequency). For these reasons, this variant has been classified as Pathogenic. Loss-of-function variants in CDKN2A (p16INK4a) are known to be pathogenic (PMID: 15146471, 16905682). This variant has not been reported in the literature in individuals with CDKN2A (p16INK4a)-related disease. ClinVar contains an entry for this variant (Variation ID: 572398). This sequence change creates a premature translational stop signal (p.Arg24Glyfs*2) in the CDKN2A (p16INK4a) gene. It is expected to result in an absent or disrupted protein product.

Literature cited by the submitters: PubMed 15146471; PubMed 16905682.

NM_000077.5(CDKN2A):c.69del (p.Arg24fs)

Gene: CDKN2A (cyclin dependent kinase inhibitor 2A; minus strand). Cytogenetic location: 9p21.3.
Variant type: Deletion.
Coding change: c.69del on transcript NM_000077.5; coding-DNA position 69, one base deleted (T; older notation c.69delT).
Protein change: p.Arg24fs; shifts the reading frame from arginine 24.
Molecular consequence: frameshift variant (on NM_000077.6). On other transcripts: intron variant (2).
Genome position (GRCh38, 1-based): chr9:21,974,759, A deleted on the plus strand (T on the coding strand, the reverse complement: CDKN2A is on the minus strand). VCF-style (leftmost placement, unchanged base first): chr9-21974758-GA-G. GRCh37 (hg19) VCF-style: chr9-21974757-GA-G.
Other names: c.69delT, p.Arg24Glyfs (NM_000077.6); c.69del, p.Arg24fs (NM_001195132.2, NM_058197.5); c.-3-3551del (NM_001363763.2); c.194-3551del (NM_058195.4); short protein forms R24fs.
Identifiers: ClinVar variation 572398 (VCV000572398.8), dbSNP rs1563892715, ClinGen allele CA891842868.